The following is an entry in ClinVar:

ClinVar aggregate classification (germline): Uncertain significance (1 of 4 stars; one submission).

Conditions:
3-methylglutaconic aciduria, type VIIB (MGCA7B). Also called: 3-methylglutaconic aciduria, type VII, with cataracts, neurologic involvement and neutropenia; CLPB Deficiency; 3-methylglutaconic aciduria with cataracts, neurologic involvement and neutropenia. Identifiers: Orphanet 445038, MedGen C5676893, MONDO:0014561, OMIM 616271.

gnomAD v4.1: 1 of 1,612,248 alleles (0.000062%); highest among the groups gnomAD compares: Admixed American, 0.0017%; no homozygotes.

Submission:

Labcorp Genetics (formerly Invitae), Labcorp
Classification: Uncertain significance for 3-methylglutaconic aciduria, type VIIB. Last evaluated: 2024-02-05. Review status: criteria provided, single submitter. Criteria: Invitae Variant Classification Sherloc (09022015). Collection method: clinical testing. Allele origin: germline.
Comment: This sequence change replaces arginine, which is basic and polar, with histidine, which is basic and polar, at codon 55 of the CLPB protein (p.Arg55His). This variant is not present in population databases (gnomAD no frequency). This variant has not been reported in the literature in individuals affected with CLPB-related conditions. An algorithm developed to predict the effect of missense changes on protein structure and function (PolyPhen-2) suggests that this variant is likely to be tolerated. In summary, the available evidence is currently insufficient to determine the role of this variant in disease. Therefore, it has been classified as a Variant of Uncertain Significance.

NM_001258392.3(CLPB):c.164G>A (p.Arg55His)

Genes: CLPB (ClpB family mitochondrial disaggregase; minus strand), LOC130006336 (ATAC-STARR-seq lymphoblastoid active region 5191; plus strand). Cytogenetic location: 11q13.4.
Variant type: single nucleotide variant.
Coding change: c.164G>A on transcript NM_001258392.3 (MANE Select); coding-DNA position 164, G replaced by A.
Protein change: p.Arg55His; replaces arginine 55 with histidine.
Molecular consequence: missense variant. On other transcripts: 5 prime UTR variant (1).
Genome position (GRCh38, 1-based): chr11:72,434,311, C>T on the plus strand (G>A on the coding strand, the complement: CLPB is on the minus strand). VCF-style: chr11-72434311-C-T. GRCh37 (hg19) VCF-style: chr11-72145355-C-T.
Other names: c.164G>A, p.Arg55His (NM_001258393.3, NM_030813.6); c.-79G>A (NM_001258394.3); short protein forms R55H.
Identifiers: ClinVar variation 3638904 (VCV003638904.2).